The following is an entry in ClinVar:

ClinVar aggregate classification (germline): Uncertain significance (1 of 4 stars; one submission).

Conditions:
Anauxetic dysplasia. Identifiers: Orphanet 93347, MedGen C1846796, MONDO:0011773.

Submission:

Labcorp Genetics (formerly Invitae), Labcorp
Classification: Uncertain significance for Anauxetic dysplasia. Last evaluated: 2023-12-09. Review status: criteria provided, single submitter. Criteria: Invitae Variant Classification Sherloc (09022015). Collection method: clinical testing. Allele origin: germline.
Comment: This variant occurs in the RMRP gene, which encodes an RNA molecule that does not result in a protein product. This variant is not present in population databases (gnomAD no frequency). This variant has not been reported in the literature in individuals affected with RMRP-related conditions. ClinVar contains an entry for this variant (Variation ID: 942873). Experimental studies and prediction algorithms are not available or were not evaluated, and the functional significance of this variant is currently unknown. In summary, the available evidence is currently insufficient to determine the role of this variant in disease. Therefore, it has been classified as a Variant of Uncertain Significance.

NR_003051.4(RMRP):n.139dup

Gene: RMRP (RNA component of mitochondrial RNA processing endoribonuclease; minus strand). Cytogenetic location: 9p13.3.
Variant type: Duplication.
Genome position: GRCh38 VCF-style: chr9-35657879-T-TG. GRCh37 (hg19) VCF-style: chr9-35657876-T-TG.
Identifiers: ClinVar variation 942873 (VCV000942873.7), dbSNP rs1823613724, ClinGen allele CA1139660919.